The following is an entry in ClinVar:

ClinVar aggregate classification (germline): Uncertain significance (1 of 4 stars; one submission).

Conditions:
Familial cold autoinflammatory syndrome 2 (FCAS2). Identifiers: Orphanet 247868, MedGen C2673198, MONDO:0012724, OMIM 611762.

Submission:

Labcorp Genetics (formerly Invitae), Labcorp
Classification: Uncertain significance for Familial cold autoinflammatory syndrome 2. Last evaluated: 2024-07-08. Review status: criteria provided, single submitter. Criteria: Invitae Variant Classification Sherloc (09022015). Collection method: clinical testing. Allele origin: germline.
Comment: This sequence change replaces cysteine, which is neutral and slightly polar, with serine, which is neutral and polar, at codon 580 of the NLRP12 protein (p.Cys580Ser). This variant is not present in population databases (gnomAD no frequency). This variant has not been reported in the literature in individuals affected with NLRP12-related conditions. An algorithm developed to predict the effect of missense changes on protein structure and function (PolyPhen-2) suggests that this variant is likely to be tolerated. In summary, the available evidence is currently insufficient to determine the role of this variant in disease. Therefore, it has been classified as a Variant of Uncertain Significance.

NM_144687.4(NLRP12):c.1738T>A (p.Cys580Ser)

Gene: NLRP12 (NLR family pyrin domain containing 12; minus strand). Cytogenetic location: 19q13.42.
Variant type: single nucleotide variant.
Coding change: c.1738T>A on transcript NM_144687.4 (MANE Select); coding-DNA position 1738, T replaced by A.
Protein change: p.Cys580Ser; replaces cysteine 580 with serine.
Molecular consequence: missense variant.
Genome position (GRCh38, 1-based): chr19:53,809,921, A>T on the plus strand (T>A on the coding strand, the complement: NLRP12 is on the minus strand). VCF-style: chr19-53809921-A-T. GRCh37 (hg19) VCF-style: chr19-54313175-A-T.
Other names: c.1738T>A, p.Cys580Ser (NM_001277126.2, NM_001277129.1); short protein forms C580S.
Identifiers: ClinVar variation 3659009 (VCV003659009.2).